The following is an entry in ClinVar:

ClinVar aggregate classification (germline): Conflicting classifications of pathogenicity. Review status: criteria provided, conflicting classifications (1 of 4 stars). 2 submissions from 2 submitters: Uncertain significance (1); Likely benign (1). Last evaluated 2024-12-30.

Conditions:
Hereditary cancer-predisposing syndrome. Also called: Hereditary neoplastic syndrome; Neoplastic Syndromes, Hereditary; Tumor predisposition; Hereditary Cancer Syndrome. Identifiers: Orphanet 140162, MedGen C0027672, MeSH D009386, MONDO:0015356.
Neuroblastoma, susceptibility to, 3. Also called: ALK-Related Neuroblastic Tumor Susceptibility. Identifiers: Orphanet 635, MedGen C2751681, MONDO:0013083, OMIM 613014.

Allele frequency attached by ClinVar (database versions not stated): ExAC below 0.00001; gnomAD exomes 0.00001.
gnomAD v4.1: 5 of 1,582,932 alleles (0.00032%); highest among the groups gnomAD compares: South Asian, 0.0046%; no homozygotes.

Submissions (2):

Labcorp Genetics (formerly Invitae), Labcorp
Classification: Uncertain significance for Neuroblastoma, susceptibility to, 3. Last evaluated: 2024-12-30. Review status: criteria provided, single submitter. Criteria: Invitae Variant Classification Sherloc (09022015). Collection method: clinical testing. Allele origin: germline.
Comment: This sequence change replaces proline, which is neutral and non-polar, with leucine, which is neutral and non-polar, at codon 85 of the ALK protein (p.Pro85Leu). This variant is present in population databases (rs748100651, gnomAD 0.004%). This variant has not been reported in the literature in individuals affected with ALK-related conditions. ClinVar contains an entry for this variant (Variation ID: 1043248). An algorithm developed to predict the effect of missense changes on protein structure and function outputs the following: PolyPhen-2: "Benign". The leucine amino acid residue is found in multiple mammalian species, which suggests that this missense change does not adversely affect protein function. In summary, the available evidence is currently insufficient to determine the role of this variant in disease. Therefore, it has been classified as a Variant of Uncertain Significance.

Ambry Genetics
Classification: Likely benign for Hereditary cancer-predisposing syndrome. Last evaluated: 2022-08-01. Review status: criteria provided, single submitter. Criteria: Ambry Variant Classification Scheme 2023. Collection method: clinical testing. Allele origin: germline.

NM_004304.5(ALK):c.254C>T (p.Pro85Leu)

Gene: ALK (ALK receptor tyrosine kinase; minus strand). Cytogenetic location: 2p23.1.
Variant type: single nucleotide variant.
Coding change: c.254C>T on transcript NM_004304.5 (MANE Select); coding-DNA position 254, C replaced by T.
Protein change: p.Pro85Leu; replaces proline 85 with leucine.
Molecular consequence: missense variant.
Genome position (GRCh38, 1-based): chr2:29,920,406, G>A on the plus strand (C>T on the coding strand, the complement: ALK is on the minus strand). VCF-style: chr2-29920406-G-A. GRCh37 (hg19) VCF-style: chr2-30143272-G-A.
Other names: short protein forms P85L.
Identifiers: ClinVar variation 1043248 (VCV001043248.9), dbSNP rs748100651, ClinGen allele CA1595018.